The following is an entry in ClinVar:

ClinVar aggregate classification (germline): Likely benign. Review status: criteria provided, multiple submitters, no conflicts (2 of 4 stars). 3 submissions from 3 submitters: Likely benign (3). Last evaluated 2025-04-11.

Conditions:
Hypertrophic cardiomyopathy. Also called: HYPERTROPHIC MYOCARDIOPATHY. Identifiers: Orphanet 217569, MedGen C0007194, MeSH D002312, MONDO:0005045, HP:0001639.

Submissions (3):

Labcorp Genetics (formerly Invitae), Labcorp
Classification: Likely benign for Hypertrophic cardiomyopathy. Last evaluated: 2025-04-11. Review status: criteria provided, single submitter. Criteria: Invitae Variant Classification Sherloc (09022015). Collection method: clinical testing. Allele origin: germline.

All of Us Research Program, National Institutes of Health
Classification: Likely benign for Hypertrophic cardiomyopathy. Last evaluated: 2023-11-20. Review status: criteria provided, single submitter. Criteria: ACMG Guidelines, 2015. Collection method: clinical testing. Allele origin: germline. Inheritance: Autosomal dominant inheritance. Observed: 1 variant allele, 1 heterozygote.
Comment: This study involves interpretation of variants in research participants for the purpose of population health screening. Participant phenotype was not available at the time of variant classification. Additional details can be found in publication PMID: 35346344, PMCID: PMC8962531

GeneDx
Classification: Likely benign. Last evaluated: 2020-02-13. Review status: criteria provided, single submitter. Criteria: GeneDx Variant Classification Process June 2021. Collection method: clinical testing. Allele origin: germline. Affected: yes.

NM_000256.3(MYBPC3):c.844C>A (p.Arg282=)

Gene: MYBPC3 (myosin binding protein C3; minus strand). Cytogenetic location: 11p11.2.
Variant type: single nucleotide variant.
Coding change: c.844C>A on transcript NM_000256.3 (MANE Select); coding-DNA position 844, C replaced by A.
Protein change: p.Arg282=; no amino-acid change (arginine 282 retained).
Molecular consequence: synonymous variant.
Genome position (GRCh38, 1-based): chr11:47,347,658, G>T on the plus strand (C>A on the coding strand, the complement: MYBPC3 is on the minus strand). VCF-style: chr11-47347658-G-T. GRCh37 (hg19) VCF-style: chr11-47369209-G-T.
Identifiers: ClinVar variation 1136256 (VCV001136256.13), dbSNP rs727504234, ClinGen allele CA474221259.